The following is an entry in ClinVar:

NM_001271.4(CHD2):c.1248A>G (p.Lys416=)

Gene: CHD2 (chromodomain helicase DNA binding protein 2; plus strand). Cytogenetic location: 15q26.1.
Variant type: single nucleotide variant.
Coding change: c.1248A>G on transcript NM_001271.4 (MANE Select); coding-DNA position 1248, A replaced by G.
Protein change: p.Lys416=; no amino-acid change (lysine 416 retained).
Molecular consequence: synonymous variant.
Genome position (GRCh38, 1-based): chr15:92,946,087, A>G. VCF-style: chr15-92946087-A-G. GRCh37 (hg19) VCF-style: chr15-93489317-A-G.
Other names: c.1248A>G, p.Lys416= (NM_001042572.3).
Identifiers: ClinVar variation 1129428 (VCV001129428.12), dbSNP rs1034535662, ClinGen allele CA274873925.

ClinVar aggregate classification (germline): Likely benign. Review status: criteria provided, multiple submitters, no conflicts (2 of 4 stars). 2 submissions from 2 submitters: Likely benign (2). Last evaluated 2024-12-15.

Conditions:
Developmental and epileptic encephalopathy 94 (DEE94). Also called: CHD2-Related Neurodevelopmental Disorders; Epileptic encephalopathy, childhood-onset. Identifiers: Orphanet 1942, Orphanet 2382, MedGen C3809278, MONDO:0014150, OMIM 615369.

Allele frequency attached by ClinVar (database versions not stated): gnomAD 0.00001; gnomAD exomes 0.00001 and 0.00008; TOPMed 0.00002.
gnomAD v4.1: 110 of 1,610,944 alleles (0.0068%); highest among the groups gnomAD compares: Non-Finnish European, 0.0092%; no homozygotes.

Submissions (2):

Labcorp Genetics (formerly Invitae), Labcorp
Classification: Likely benign for Developmental and epileptic encephalopathy 94. Last evaluated: 2024-12-15. Review status: criteria provided, single submitter. Criteria: Invitae Variant Classification Sherloc (09022015). Collection method: clinical testing. Allele origin: germline.

GeneDx
Classification: Likely benign. Last evaluated: 2020-12-09. Review status: criteria provided, single submitter. Criteria: GeneDx Variant Classification Process June 2021. Collection method: clinical testing. Allele origin: germline. Affected: yes.
Comment: In silico analysis, which includes splice predictors and evolutionary conservation, suggests this variant may impact gene splicing. In the absence of RNA/functional studies, the actual effect of this sequence change is unknown.; Has not been previously published as pathogenic or benign to our knowledge